The following is an entry in ClinVar:

NM_001148.6(ANK2):c.9242A>T (p.Asp3081Val)

Gene: ANK2 (ankyrin 2; plus strand). Cytogenetic location: 4q26.
Variant type: single nucleotide variant.
Coding change: c.9242A>T on transcript NM_001148.6 (MANE Select); coding-DNA position 9242, A replaced by T.
Protein change: p.Asp3081Val; replaces aspartic acid 3081 with valine.
Molecular consequence: missense variant. On other transcripts: intron variant (68).
Genome position (GRCh38, 1-based): chr4:113,357,860, A>T. VCF-style: chr4-113357860-A-T. GRCh37 (hg19) VCF-style: chr4-114279016-A-T.
Other names: c.9008A>T, p.Asp3003Val (NM_001386142.1); c.5642A>T, p.Asp1881Val (NM_001386166.1); c.9383A>T, p.Asp3128Val (NM_001386174.1); c.9359A>T, p.Asp3120Val (NM_001386175.1); c.4412-2963A>T (NM_001386186.2, NM_001386148.2); c.4214-2963A>T (NM_001354269.3); c.4292-2963A>T (NM_001386187.2); c.4253-2963A>T (NM_001386147.1); and 35 more; short protein forms D3120V, D3128V, D3003V, D1881V, D3081V.
Identifiers: ClinVar variation 1042920 (VCV001042920.8), dbSNP rs962522673, ClinGen allele CA103817300.

ClinVar aggregate classification (germline): Conflicting classifications of pathogenicity. Review status: criteria provided, conflicting classifications (1 of 4 stars). 3 submissions from 3 submitters: Uncertain significance (2); Benign (1). Last evaluated 2025-12-09.

Conditions:
Long QT syndrome (LQTS). Identifiers: MedGen C0023976, MeSH D008133, MONDO:0002442. Disease mechanism: loss of function. Inheritance: Various modes of inheritance.
Cardiovascular phenotype. Identifiers: MedGen CN230736.
Cardiac arrhythmia, ankyrin-B-related. Also called: ANKYRIN-B SYNDROME. Identifiers: Orphanet 101016, Orphanet 768, MedGen C1970119, MONDO:0010958, OMIM 600919.

Allele frequency attached by ClinVar (database versions not stated): gnomAD exomes 0.00001; gnomAD 0.00004 and 0.00005; TOPMed 0.00005.
gnomAD v4.1: 14 of 1,613,968 alleles (0.00087%); highest among the groups gnomAD compares: Middle Eastern, 0.016%; no homozygotes.

Submissions (3):

Labcorp Genetics (formerly Invitae), Labcorp
Classification: Uncertain significance for Long QT syndrome. Last evaluated: 2025-12-09. Review status: criteria provided, single submitter. Criteria: Invitae Variant Classification Sherloc (09022015). Collection method: clinical testing. Allele origin: germline.
Comment: This sequence change replaces aspartic acid, which is acidic and polar, with valine, which is neutral and non-polar, at codon 3081 of the ANK2 protein (p.Asp3081Val). This variant is present in population databases (no rsID available, gnomAD 0.01%). This variant has not been reported in the literature in individuals affected with ANK2-related conditions. ClinVar contains an entry for this variant (Variation ID: 1042920). An algorithm developed to predict the effect of missense changes on protein structure and function (PolyPhen-2) suggests that this variant is likely to be disruptive. In summary, the available evidence is currently insufficient to determine the role of this variant in disease. Therefore, it has been classified as a Variant of Uncertain Significance.

Ambry Genetics
Classification: Benign for Cardiovascular phenotype. Last evaluated: 2021-10-13. Review status: criteria provided, single submitter. Criteria: Ambry Variant Classification Scheme 2023. Collection method: clinical testing. Allele origin: germline.

Fulgent Genetics
Classification: Uncertain significance for Cardiac arrhythmia, ankyrin-B-related. Last evaluated: 2021-09-26. Review status: criteria provided, single submitter. Criteria: ACMG Guidelines, 2015. Collection method: clinical testing. Allele origin: unknown.